The following is an entry in ClinVar:

ClinVar aggregate classification (germline): Uncertain significance. Review status: criteria provided, multiple submitters, no conflicts (2 of 4 stars). 2 submissions from 2 submitters: Uncertain significance (2). Last evaluated 2026-07-23.

Conditions:
Inborn genetic diseases. Identifiers: MedGen C0950123, MeSH D030342.

Allele frequency attached by ClinVar (database versions not stated): TOPMed 0.00005; 1000 Genomes Project 30x 0.00016.

Submissions (2):

GeneDx
Classification: Uncertain significance. Last evaluated: 2026-07-23. Review status: criteria provided, single submitter. Criteria: GeneDx Variant Classification Process June 2021. Collection method: clinical testing. Allele origin: germline.
Comment: Not observed at significant frequency in large population cohorts (gnomAD); In silico analysis suggests that this missense variant does not alter protein structure/function; Has not been previously published as pathogenic or benign to our knowledge

Ambry Genetics
Classification: Uncertain significance for Inborn genetic diseases. Last evaluated: 2023-02-15. Review status: criteria provided, single submitter. Criteria: Ambry Variant Classification Scheme 2023. Collection method: clinical testing. Allele origin: germline.

NM_004667.6(HERC2):c.7100G>A (p.Gly2367Glu)

Gene: HERC2 (HECT and RLD domain containing E3 ubiquitin protein ligase 2; minus strand). Cytogenetic location: 15q13.1.
Variant type: single nucleotide variant.
Coding change: c.7100G>A on transcript NM_004667.6 (MANE Select); coding-DNA position 7100, G replaced by A.
Protein change: p.Gly2367Glu; replaces glycine 2367 with glutamic acid.
Molecular consequence: missense variant.
Genome position (GRCh38, 1-based): chr15:28,206,352, C>T on the plus strand (G>A on the coding strand, the complement: HERC2 is on the minus strand). VCF-style: chr15-28206352-C-T. GRCh37 (hg19) VCF-style: chr15-28451498-C-T.
Other names: c.7100G>A (NM_004667.5); short protein forms G2367E.
Identifiers: ClinVar variation 2484824 (VCV002484824.4), dbSNP rs1054572238, ClinGen allele CA267946162.